The following is an entry in ClinVar:

ClinVar aggregate classification (germline): Uncertain significance (1 of 4 stars; one submission).

gnomAD v4.1: 1 of 1,613,888 alleles (0.000062%); highest among the groups gnomAD compares: South Asian, 0.0011%; no homozygotes.

Submission:

CeGaT Center for Human Genetics Tuebingen
Classification: Uncertain significance. Last evaluated: 2025-03-01. Review status: criteria provided, single submitter. Criteria: CeGaT Center For Human Genetics Tuebingen Variant Classification Criteria Version 2. Collection method: clinical testing. Allele origin: germline. Affected: yes. Observed: 1 variant allele.
Comment: WDR62: PM2, BP4

NM_001083961.2(WDR62):c.3500C>G (p.Ala1167Gly)

Gene: WDR62 (WD repeat domain 62; plus strand). Cytogenetic location: 19q13.12.
Variant type: single nucleotide variant.
Coding change: c.3500C>G on transcript NM_001083961.2 (MANE Select); coding-DNA position 3500, C replaced by G.
Protein change: p.Ala1167Gly; replaces alanine 1167 with glycine.
Molecular consequence: missense variant.
Genome position (GRCh38, 1-based): chr19:36,103,193, C>G. VCF-style: chr19-36103193-C-G. GRCh37 (hg19) VCF-style: chr19-36594095-C-G.
Other names: c.3485C>G, p.Ala1162Gly (NM_001411145.1, NM_173636.5); c.3251C>G, p.Ala1084Gly (NM_001411146.1); c.3149C>G, p.Ala1050Gly (NM_001411147.1); short protein forms A1050G, A1084G, A1162G, A1167G.
Identifiers: ClinVar variation 3778479 (VCV003778479.7).